The following is an entry in ClinVar:

ClinVar aggregate classification (germline): Conflicting classifications of pathogenicity. Review status: criteria provided, conflicting classifications (1 of 4 stars). 8 submissions from 8 submitters: Uncertain significance (2); Benign (2); Likely benign (4). Last evaluated 2026-01-19.

Conditions:
TTN-related disorder. Also called: TTN-related condition; TTN-related disease; TTN-related disorders.
Autosomal recessive limb-girdle muscular dystrophy type 2J (LGMDR10). Also called: Limb-girdle muscular dystrophy, type 2J; MUSCULAR DYSTROPHY, LIMB-GIRDLE, AUTOSOMAL RECESSIVE 10. Identifiers: Orphanet 140922, MedGen C1837342, MONDO:0012127, OMIM 608807.
Dilated cardiomyopathy 1G (CMD1G). Identifiers: Orphanet 154, MedGen C1858763, MONDO:0011400, OMIM 604145.
Cardiomyopathy (CMYO). Also called: Cardiomyopathies. Identifiers: Orphanet 167848, MedGen C0878544, MONDO:0004994, HP:0001638. Inheritance: Various modes of inheritance.

Allele frequency attached by ClinVar (database versions not stated): gnomAD exomes 0.00010; ExAC 0.00012; ESP Exome Variant Server 0.00025; TOPMed 0.00042; 1000 Genomes Project 30x 0.00047; gnomAD 0.00047 and 0.00048; 1000 Genomes Project 0.00060.
gnomAD v4.1: 120 of 1,614,006 alleles (0.0074%); highest among the groups gnomAD compares: African/African-American, 0.15%; no homozygotes.

Submissions (8):

Labcorp Genetics (formerly Invitae), Labcorp
Classification: Likely benign for Dilated cardiomyopathy 1G; Autosomal recessive limb-girdle muscular dystrophy type 2J. Last evaluated: 2026-01-19. Review status: criteria provided, single submitter. Criteria: Invitae Variant Classification Sherloc (09022015). Collection method: clinical testing. Allele origin: germline.

PreventionGenetics, part of Exact Sciences
Classification: Likely benign for TTN-related condition. Last evaluated: 2024-11-26. Review status: criteria provided, single submitter. Criteria: ACMG Guidelines, 2015. Collection method: clinical testing. Allele origin: germline.
Comment: This variant is classified as likely benign based on ACMG/AMP sequence variant interpretation guidelines (Richards et al. 2015 PMID: 25741868, with internal and published modifications).

Athena Diagnostics
Classification: Likely benign. Last evaluated: 2024-10-17. Review status: criteria provided, single submitter. Criteria: Athena Diagnostics Criteria. Collection method: clinical testing. Allele origin: unknown.

Women's Health and Genetics/Laboratory Corporation of America, LabCorp
Classification: Benign. Last evaluated: 2022-05-09. Review status: criteria provided, single submitter. Criteria: LabCorp Variant Classification Summary - May 2015. Collection method: clinical testing. Allele origin: germline.
Comment: Variant summary: TTN c.26449A>C (p.Lys8817Gln) results in a conservative amino acid change located in the I-band of the encoded protein sequence. Three of four in-silico tools predict a benign effect of the variant on protein function. The variant allele was found at a frequency of 0.0001 in 249222 control chromosomes, predominantly at a frequency of 0.0016 within the African or African-American subpopulation in the gnomAD database. The observed variant frequency within African or African-American control individuals in the gnomAD database is approximately 4 fold of the estimated maximal expected allele frequency for a pathogenic variant in TTN causing Dilated Cardiomyopathy phenotype (0.00039), strongly suggesting that the variant is a benign polymorphism found primarily in populations of African or African-American origin. To our knowledge, no occurrence of c.26449A>C in individuals affected with Dilated Cardiomyopathy and no experimental evidence demonstrating its impact on protein function have been reported. Three clinical diagnostic laboratories have submitted clinical-significance assessments for this variant to ClinVar after 2014 without evidence for independent evaluation. All laboratories classified the variant as benign/likely benign. Based on the evidence outlined above, the variant was classified as benign.

GeneDx
Classification: Likely benign. Last evaluated: 2020-03-10. Review status: criteria provided, single submitter. Criteria: GeneDx Variant Classification Process June 2021. Collection method: clinical testing. Allele origin: germline. Affected: yes.

Revvity Omics, Revvity
Classification: Uncertain significance. Last evaluated: 2019-12-02. Review status: criteria provided, single submitter. Criteria: ACMG Guidelines, 2015. Collection method: clinical testing. Allele origin: germline.

CHEO Genetics Diagnostic Laboratory, Children's Hospital of Eastern Ontario
Classification: Benign for Cardiomyopathy. Last evaluated: 2019-09-06. Review status: criteria provided, single submitter. Criteria: ACMG Guidelines, 2015. Collection method: clinical testing. Allele origin: germline. Study: Canadian Open Genetics Repository.

Laboratory for Molecular Medicine, Mass General Brigham Personalized Medicine
Classification: Uncertain significance. Last evaluated: 2013-06-27. Review status: criteria provided, single submitter. Criteria: LMM Criteria. Collection method: clinical testing. Allele origin: germline. Observed: 2 variant alleles.
Comment: Variant classified as Uncertain Significance - Favor Benign. It has also been identified in 1.1% (2/176) of Yoruba chromosomes by the 1 000 Genomes Project (dbSNP rs184153985) and 3/3884 African American chromosomes by the NHLBI Exome Sequencing Project. Lysin e (Lys) at position 8817 is not completely conserved and 2 fish (tetradon and fu gu) carry a glutamine (Gln; this variant) at this position, raising the possibil ity that this change may be tolerated. Other computational analyses (biochemical amino acid properties, AlignGVGD, PolyPhen2, and SIFT) do not provide strong su pport for or against an impact to the protein. Although the frequency of this va riant suggests that it may be more likely benign, additional studies are needed to fully assess its clinical significance.

NM_001267550.2(TTN):c.30181A>C (p.Lys10061Gln)

Gene: TTN (titin; minus strand). Cytogenetic location: 2q31.2.
Variant type: single nucleotide variant.
Coding change: c.30181A>C on transcript NM_001267550.2 (MANE Select); coding-DNA position 30181, A replaced by C.
Protein change: p.Lys10061Gln; replaces lysine 10061 with glutamine.
Molecular consequence: missense variant. On other transcripts: intron variant (3).
Genome position (GRCh38, 1-based): chr2:178,704,189, T>G on the plus strand (A>C on the coding strand, the complement: TTN is on the minus strand). VCF-style: chr2-178704189-T-G. GRCh37 (hg19) VCF-style: chr2-179568916-T-G.
Other names: p.K9744Q:AAA>CAA; c.29230A>C, p.Lys9744Gln (NM_001256850.1); c.26449A>C, p.Lys8817Gln (NM_133378.4); c.13282+33893A>C (NM_003319.4); c.13858+33893A>C (NM_133437.4); c.13657+33893A>C (NM_133432.3); c.30181A>C (NM_001267550.1); short protein forms K10061Q, K8817Q, K9744Q.
Identifiers: ClinVar variation 46829 (VCV000046829.27), dbSNP rs184153985, ClinGen allele CA139299.
Genomic context (GRCh38, chr2:178,704,189, plus strand): 5'-CCATAGTGTTTCACGCACCTTCGATTCTGAGTTCTGCTGAAGTTTCAAGGTCTTCATATT[T>G]GCAGGTGTACTGACCCTGGTCTTCTGCTCGAACATCTGCAATGGTCAATTTATGGACTTT-3'
Protein context (NP_001254479.2, residues 10051-10071): RAEDQGQYTC[Lys10061Gln]YEDLETSAEL